The following is an entry in ClinVar:

NM_001013838.3(CARMIL2):c.1250C>T (p.Pro417Leu)

Gene: CARMIL2 (capping protein regulator and myosin 1 linker 2; plus strand). Cytogenetic location: 16q22.1.
Variant type: single nucleotide variant.
Coding change: c.1250C>T on transcript NM_001013838.3 (MANE Select); coding-DNA position 1250, C replaced by T.
Protein change: p.Pro417Leu; replaces proline 417 with leucine.
Molecular consequence: missense variant. On other transcripts: intron variant (1).
Genome position (GRCh38, 1-based): chr16:67,648,230, C>T. VCF-style: chr16-67648230-C-T. GRCh37 (hg19) VCF-style: chr16-67682133-C-T.
Other names: c.1150-8C>T (NM_001317026.3); short protein forms P417L.
Identifiers: ClinVar variation 3012698 (VCV003012698.1), dbSNP rs781351613, ClinGen allele CA8113381.

ClinVar aggregate classification (germline): Uncertain significance (1 of 4 stars; one submission).

Allele frequency attached by ClinVar (database versions not stated): TOPMed below 0.00001; gnomAD 0.00001; ExAC 0.00002.
gnomAD v4.1: 71 of 1,603,328 alleles (0.0044%); highest among the groups gnomAD compares: Non-Finnish European, 0.006%; no homozygotes.

Submission:

Labcorp Genetics (formerly Invitae), Labcorp
Classification: Uncertain significance. Last evaluated: 2023-11-24. Review status: criteria provided, single submitter. Criteria: Invitae Variant Classification Sherloc (09022015). Collection method: clinical testing. Allele origin: germline.
Comment: This sequence change replaces proline, which is neutral and non-polar, with leucine, which is neutral and non-polar, at codon 417 of the CARMIL2 protein (p.Pro417Leu). This variant is present in population databases (rs781351613, gnomAD 0.004%). This variant has not been reported in the literature in individuals affected with CARMIL2-related conditions. Algorithms developed to predict the effect of missense changes on protein structure and function output the following: SIFT: "Not Available"; PolyPhen-2: "Benign"; Align-GVGD: "Not Available". The leucine amino acid residue is found in multiple mammalian species, which suggests that this missense change does not adversely affect protein function. In summary, the available evidence is currently insufficient to determine the role of this variant in disease. Therefore, it has been classified as a Variant of Uncertain Significance.